The following is an entry in ClinVar:

NM_001844.5(COL2A1):c.2267G>T (p.Gly756Val)

Gene: COL2A1 (collagen type II alpha 1 chain; minus strand). Cytogenetic location: 12q13.11.
Variant type: single nucleotide variant.
Coding change: c.2267G>T on transcript NM_001844.5 (MANE Select); coding-DNA position 2267, G replaced by T.
Protein change: p.Gly756Val; replaces glycine 756 with valine.
Molecular consequence: missense variant.
Genome position (GRCh38, 1-based): chr12:47,982,536, C>A on the plus strand (G>T on the coding strand, the complement: COL2A1 is on the minus strand). VCF-style: chr12-47982536-C-A. GRCh37 (hg19) VCF-style: chr12-48376319-C-A.
Other names: c.2060G>T, p.Gly687Val (NM_033150.3); short protein forms G687V, G756V.
Identifiers: ClinVar variation 2035224 (VCV002035224.4), dbSNP rs2540134070, ClinGen allele CA384545997.
Genomic context (GRCh38, chr12:47,982,536, plus strand): 5'-TGAGAGGCTGTAACCTCAGTACTTACCCTGTCGCCTTTGGGCCCAGCGATACCAGCTGCT[C>A]CCCTCTCGCCAGGCATTCCCTGAAGACCTGGAGGGCCCTGAGCCCCAGGGGGGCCTGCTG-3'
Protein context (NP_001835.3, residues 746-766): PGLQGMPGER[Gly756Val]AAGIAGPKGD

ClinVar aggregate classification (germline): Likely pathogenic (1 of 4 stars; one submission).

Submission:

Labcorp Genetics (formerly Invitae), Labcorp
Classification: Likely pathogenic. Last evaluated: 2024-12-02. Review status: criteria provided, single submitter. Criteria: Invitae Variant Classification Sherloc (09022015). Collection method: clinical testing. Allele origin: germline.
Comment: This sequence change replaces glycine, which is neutral and non-polar, with valine, which is neutral and non-polar, at codon 756 of the COL2A1 protein (p.Gly756Val). This variant is not present in population databases (gnomAD no frequency). This variant has not been reported in the literature in individuals affected with COL2A1-related conditions. ClinVar contains an entry for this variant (Variation ID: 2035224). Invitae Evidence Modeling of protein sequence and biophysical properties (such as structural, functional, and spatial information, amino acid conservation, physicochemical variation, residue mobility, and thermodynamic stability) indicates that this missense variant is expected to disrupt COL2A1 protein function with a positive predictive value of 95%. This variant disrupts the triple helix domain of COL2A1. Glycine residues within the Gly-Xaa-Yaa repeats of the triple helix domain are required for the structure and stability of fibrillar collagens (PMID: 7695699, 8218237, 19344236). In COL2A1, variants affecting these glycine residues are significantly enriched in individuals with disease (PMID: 9016532, 17078022) compared to the general population (ExAC). In summary, the currently available evidence indicates that the variant is pathogenic, but additional data are needed to prove that conclusively. Therefore, this variant has been classified as Likely Pathogenic.

Literature cited by the submitters: PubMed 7695699; PubMed 8218237; PubMed 19344236; PubMed 9016532; PubMed 17078022.